The following is an entry in ClinVar:

ClinVar aggregate classification (germline): Uncertain significance. Review status: criteria provided, multiple submitters, no conflicts (2 of 4 stars). 2 submissions from 2 submitters: Uncertain significance (2). Last evaluated 2022-05-27.

gnomAD v4.1: 7 of 1,613,980 alleles (0.00043%); highest among the groups gnomAD compares: Non-Finnish European, 0.00059%; no homozygotes.

Submissions (2):

Ambry Genetics
Classification: Uncertain significance. Last evaluated: 2022-05-27. Review status: criteria provided, single submitter. Criteria: Ambry Variant Classification Scheme 2023. Collection method: clinical testing. Allele origin: germline.

Labcorp Genetics (formerly Invitae), Labcorp
Classification: Uncertain significance. Last evaluated: 2021-09-01. Review status: criteria provided, single submitter. Criteria: Invitae Variant Classification Sherloc (09022015). Collection method: clinical testing. Allele origin: germline.
Comment: This sequence change replaces isoleucine with threonine at codon 299 of the SCP2 protein (p.Ile299Thr). The isoleucine residue is weakly conserved and there is a moderate physicochemical difference between isoleucine and threonine. This variant is not present in population databases (ExAC no frequency). This variant has not been reported in the literature in individuals affected with SCP2-related conditions. Algorithms developed to predict the effect of missense changes on protein structure and function are either unavailable or do not agree on the potential impact of this missense change (SIFT: "Deleterious"; PolyPhen-2: "Benign"; Align-GVGD: "Class C25"). In summary, the available evidence is currently insufficient to determine the role of this variant in disease. Therefore, it has been classified as a Variant of Uncertain Significance.

NM_002979.5(SCP2):c.896T>C (p.Ile299Thr)

Gene: SCP2 (sterol carrier protein 2; plus strand). Cytogenetic location: 1p32.3.
Variant type: single nucleotide variant.
Coding change: c.896T>C on transcript NM_002979.5 (MANE Select); coding-DNA position 896, T replaced by C.
Protein change: p.Ile299Thr; replaces isoleucine 299 with threonine.
Molecular consequence: missense variant.
Genome position (GRCh38, 1-based): chr1:52,980,466, T>C. VCF-style: chr1-52980466-T-C. GRCh37 (hg19) VCF-style: chr1-53446138-T-C.
Other names: c.764T>C, p.Ile255Thr (NM_001007098.3, NM_001193600.2); c.824T>C, p.Ile275Thr (NM_001193599.2); c.653T>C, p.Ile218Thr (NM_001193617.2); c.896T>C, p.Ile299Thr (NM_001330587.2); c.896T>C (NM_002979.4); short protein forms I218T, I255T, I275T, I299T.
Identifiers: ClinVar variation 1384714 (VCV001384714.6), dbSNP rs2150173682, ClinGen allele CA340382145.
Genomic context (GRCh38, chr1:52,980,466, plus strand): 5'-ATATGAGTAAAGAAGCTGCAAGAAAATGCTATGAGAAATCTGGCCTGACACCAAATGATA[T>C]TGACGTAATAGAACTTCACGATTGCTTTTCTACCAACGAACTCCTTACTTATGAAGCACT-3'
Protein context (NP_002970.2, residues 289-309): YEKSGLTPND[Ile299Thr]DVIELHDCFS